The following is an entry in ClinVar:

NM_001037.5(SCN1B):c.448+320C>T

Gene: SCN1B (sodium voltage-gated channel beta subunit 1; plus strand). Cytogenetic location: 19q13.11.
Variant type: single nucleotide variant.
Coding change: c.448+320C>T on transcript NM_001037.5 (MANE Select); 320 bases into the intron after coding-DNA position 448, C replaced by T.
Molecular consequence: intron variant. On other transcripts: synonymous variant (1).
Genome position (GRCh38, 1-based): chr19:35,034,059, C>T. VCF-style: chr19-35034059-C-T. GRCh37 (hg19) VCF-style: chr19-35524963-C-T.
Other names: c.768C>T, p.Pro256= (NM_199037.5); c.349+320C>T (NM_001321605.2).
Identifiers: ClinVar variation 242251 (VCV000242251.40), dbSNP rs570257058, ClinGen allele CA9372057.

ClinVar aggregate classification (germline): Benign/Likely benign. Review status: criteria provided, multiple submitters, no conflicts (2 of 4 stars). 5 submissions from 5 submitters: Benign (2); Likely benign (3). Last evaluated 2026-08-01.

Conditions:
Brugada syndrome 5 (BRGDA5). Identifiers: Orphanet 130, Orphanet 871, MedGen C2748541, MONDO:0013015, OMIM 612838.

Allele frequency attached by ClinVar (database versions not stated): 1000 Genomes Project 0.00020; gnomAD 0.00030 and 0.00033; 1000 Genomes Project 30x 0.00031; TOPMed 0.00031; gnomAD exomes 0.00032 and 0.00035; ExAC 0.00040.
gnomAD v4.1: 511 of 1,551,074 alleles (0.033%); highest among the groups gnomAD compares: Admixed American, 0.098%; 1 homozygote.

Submissions (5):

CeGaT Center for Human Genetics Tuebingen
Classification: Likely benign. Last evaluated: 2026-08-01. Review status: criteria provided, single submitter. Criteria: CeGaT Center For Human Genetics Tuebingen Variant Classification Criteria Version 2. Collection method: clinical testing. Allele origin: germline. Affected: yes. Observed: 2 variant alleles.
Comment: SCN1B: BP4, BP7

Labcorp Genetics (formerly Invitae), Labcorp
Classification: Likely benign for Brugada syndrome 5. Last evaluated: 2026-01-19. Review status: criteria provided, single submitter. Criteria: Invitae Variant Classification Sherloc (09022015). Collection method: clinical testing. Allele origin: germline.

Women's Health and Genetics/Laboratory Corporation of America, LabCorp
Classification: Benign. Last evaluated: 2026-01-10. Review status: criteria provided, single submitter. Criteria: LabCorp Variant Classification Summary - May 2015. Collection method: clinical testing. Allele origin: germline.

Blueprint Genetics
Classification: Likely benign. Last evaluated: 2024-10-11. Review status: criteria provided, single submitter. Criteria: ACMG Guidelines, 2015. Collection method: clinical testing. Allele origin: germline.

GeneDx
Classification: Benign. Last evaluated: 2015-03-03. Review status: criteria provided, single submitter. Criteria: GeneDx Variant Classification Process June 2021. Collection method: clinical testing. Allele origin: germline. Affected: yes.